The following is an entry in ClinVar:

NM_006231.4(POLE):c.2039G>T (p.Arg680Leu)

Gene: POLE (DNA polymerase epsilon, catalytic subunit; minus strand). Cytogenetic location: 12q24.33.
Variant type: single nucleotide variant.
Coding change: c.2039G>T on transcript NM_006231.4 (MANE Select); coding-DNA position 2039, G replaced by T.
Protein change: p.Arg680Leu; replaces arginine 680 with leucine.
Molecular consequence: missense variant.
Genome position (GRCh38, 1-based): chr12:132,668,490, C>A on the plus strand (G>T on the coding strand, the complement: POLE is on the minus strand). VCF-style: chr12-132668490-C-A. GRCh37 (hg19) VCF-style: chr12-133245076-C-A.
Other names: short protein forms R680L.
Identifiers: ClinVar variation 540759 (VCV000540759.16), dbSNP rs763522976, ClinGen allele CA6893700.

ClinVar aggregate classification (germline): Uncertain significance. Review status: criteria provided, multiple submitters, no conflicts (2 of 4 stars). 3 submissions from 3 submitters: Uncertain significance (3). Last evaluated 2025-11-21.

Conditions:
Hereditary cancer-predisposing syndrome. Also called: Neoplastic Syndromes, Hereditary; Hereditary Cancer Syndrome; Hereditary neoplastic syndrome; Tumor predisposition. Identifiers: Orphanet 140162, MedGen C0027672, MeSH D009386, MONDO:0015356.

Allele frequency attached by ClinVar (database versions not stated): TOPMed 0.00001; ExAC 0.00002.
gnomAD v4.1: 19 of 1,598,022 alleles (0.0012%); highest among the groups gnomAD compares: South Asian, 0.016%; no homozygotes.

Submissions (3):

Labcorp Genetics (formerly Invitae), Labcorp
Classification: Uncertain significance. Last evaluated: 2025-11-21. Review status: criteria provided, single submitter. Criteria: Invitae Variant Classification Sherloc (09022015). Collection method: clinical testing. Allele origin: germline.
Comment: This sequence change replaces arginine, which is basic and polar, with leucine, which is neutral and non-polar, at codon 680 of the POLE protein (p.Arg680Leu). The frequency data for this variant in the population databases is considered unreliable, as metrics indicate poor data quality at this position in the gnomAD database. This variant has not been reported in the literature in individuals affected with POLE-related conditions. ClinVar contains an entry for this variant (Variation ID: 540759). Invitae Evidence Modeling of protein sequence and biophysical properties (such as structural, functional, and spatial information, amino acid conservation, physicochemical variation, residue mobility, and thermodynamic stability) indicates that this missense variant is not expected to disrupt POLE protein function with a negative predictive value of 80%. In summary, the available evidence is currently insufficient to determine the role of this variant in disease. Therefore, it has been classified as a Variant of Uncertain Significance.

Ambry Genetics
Classification: Uncertain significance for Hereditary cancer-predisposing syndrome. Last evaluated: 2025-08-14. Review status: criteria provided, single submitter. Criteria: Ambry Variant Classification Scheme 2023. Collection method: clinical testing. Allele origin: germline.

GeneDx
Classification: Uncertain significance. Last evaluated: 2024-12-01. Review status: criteria provided, single submitter. Criteria: GeneDx Variant Classification Process June 2021. Collection method: clinical testing. Allele origin: germline. Affected: yes.
Comment: Not observed at significant frequency in large population cohorts (gnomAD); In silico analysis supports that this missense variant has a deleterious effect on protein structure/function; Has not been previously published as pathogenic or benign to our knowledge; This variant is associated with the following publications: (PMID: 20951805)